The following is an entry in ClinVar:

NM_001201543.2(FAM161A):c.1144C>G (p.Leu382Val)

Gene: FAM161A (FAM161 centrosomal protein A; minus strand). Cytogenetic location: 2p15.
Variant type: single nucleotide variant.
Coding change: c.1144C>G on transcript NM_001201543.2 (MANE Select); coding-DNA position 1144, C replaced by G.
Protein change: p.Leu382Val; replaces leucine 382 with valine.
Molecular consequence: missense variant. On other transcripts: non-coding transcript variant (1).
Genome position (GRCh38, 1-based): chr2:61,839,860, G>C on the plus strand (C>G on the coding strand, the complement: FAM161A is on the minus strand). VCF-style: chr2-61839860-G-C. GRCh37 (hg19) VCF-style: chr2-62066995-G-C.
Other names: c.1144C>G, p.Leu382Val (NM_032180.3); short protein forms L382V.
Identifiers: ClinVar variation 2014338 (VCV002014338.4), dbSNP rs759193616, ClinGen allele CA1679204.

ClinVar aggregate classification (germline): Uncertain significance (1 of 4 stars; one submission).

Allele frequency attached by ClinVar (database versions not stated): gnomAD exomes below 0.00001; ExAC 0.00001.
gnomAD v4.1: 2 of 1,614,210 alleles (0.00012%); highest among the groups gnomAD compares: Non-Finnish European, 0.000085%; no homozygotes.

Submission:

Labcorp Genetics (formerly Invitae), Labcorp
Classification: Uncertain significance. Last evaluated: 2022-07-06. Review status: criteria provided, single submitter. Criteria: Invitae Variant Classification Sherloc (09022015). Collection method: clinical testing. Allele origin: germline.
Comment: This variant has not been reported in the literature in individuals affected with FAM161A-related conditions. This variant is present in population databases (rs759193616, gnomAD no frequency). This sequence change replaces leucine, which is neutral and non-polar, with valine, which is neutral and non-polar, at codon 382 of the FAM161A protein (p.Leu382Val). Algorithms developed to predict the effect of missense changes on protein structure and function (SIFT, PolyPhen-2, Align-GVGD) all suggest that this variant is likely to be tolerated. In summary, the available evidence is currently insufficient to determine the role of this variant in disease. Therefore, it has been classified as a Variant of Uncertain Significance.